The following is an entry in ClinVar:

NM_173689.7(CRB2):c.2635C>G (p.Pro879Ala)

Gene: CRB2 (crumbs cell polarity complex component 2; plus strand). Cytogenetic location: 9q33.3.
Variant type: single nucleotide variant.
Coding change: c.2635C>G on transcript NM_173689.7 (MANE Select); coding-DNA position 2635, C replaced by G.
Protein change: p.Pro879Ala; replaces proline 879 with alanine.
Molecular consequence: missense variant. On other transcripts: non-coding transcript variant (1).
Genome position (GRCh38, 1-based): chr9:123,373,166, C>G. VCF-style: chr9-123373166-C-G. GRCh37 (hg19) VCF-style: chr9-126135445-C-G.
Other names: short protein forms P879A.
Identifiers: ClinVar variation 2096590 (VCV002096590.4), dbSNP rs2550687649, ClinGen allele CA374867130.

ClinVar aggregate classification (germline): Uncertain significance (1 of 4 stars; one submission).

Submission:

Labcorp Genetics (formerly Invitae), Labcorp
Classification: Uncertain significance. Last evaluated: 2023-11-28. Review status: criteria provided, single submitter. Criteria: Invitae Variant Classification Sherloc (09022015). Collection method: clinical testing. Allele origin: germline.
Comment: This sequence change replaces proline, which is neutral and non-polar, with alanine, which is neutral and non-polar, at codon 879 of the CRB2 protein (p.Pro879Ala). This variant is not present in population databases (gnomAD no frequency). This variant has not been reported in the literature in individuals affected with CRB2-related conditions. ClinVar contains an entry for this variant (Variation ID: 2096590). Advanced modeling of protein sequence and biophysical properties (such as structural, functional, and spatial information, amino acid conservation, physicochemical variation, residue mobility, and thermodynamic stability) performed at Invitae indicates that this missense variant is not expected to disrupt CRB2 protein function with a negative predictive value of 95%. In summary, the available evidence is currently insufficient to determine the role of this variant in disease. Therefore, it has been classified as a Variant of Uncertain Significance.